The following is an entry in ClinVar:

ClinVar aggregate classification (germline): Pathogenic (1 of 4 stars; one submission).

Submission:

Labcorp Genetics (formerly Invitae), Labcorp
Classification: Pathogenic. Last evaluated: 2023-03-22. Review status: criteria provided, single submitter. Criteria: Invitae Variant Classification Sherloc (09022015). Collection method: clinical testing. Allele origin: germline.
Comment: This sequence change creates a premature translational stop signal (p.Leu190Trpfs*38) in the GPAA1 gene. It is expected to result in an absent or disrupted protein product. Loss-of-function variants in GPAA1 are known to be pathogenic (PMID: 29100095). This variant is not present in population databases (gnomAD no frequency). This variant has not been reported in the literature in individuals affected with GPAA1-related conditions. For these reasons, this variant has been classified as Pathogenic.

Literature cited by the submitters: PubMed 29100095.

NM_003801.4(GPAA1):c.567del (p.Leu190fs)

Gene: GPAA1 (glycosylphosphatidylinositol anchor attachment 1; plus strand). Cytogenetic location: 8q24.3.
Variant type: Deletion.
Coding change: c.567del on transcript NM_003801.4 (MANE Select); coding-DNA position 567, one base deleted (T; older notation c.567delT).
Protein change: p.Leu190fs; shifts the reading frame from leucine 190.
Molecular consequence: frameshift variant.
Genome position (GRCh38, 1-based): chr8:144,083,991, T deleted; the last of 2 consecutive T bases (chr8:144,083,990-144,083,991); deleting either gives the same sequence. VCF-style (leftmost placement, unchanged base first): chr8-144083989-CT-C. GRCh37 (hg19) VCF-style: chr8-145138892-CT-C.
Other names: short protein forms L190fs.
Identifiers: ClinVar variation 2779106 (VCV002779106.3), dbSNP rs1835951888, ClinGen allele CA1120240049.
Genomic context (GRCh38, chr8:144,083,989, plus strand): 5'-TGGCCTCCAGGGCAGATTTATTGGGCCAAAGATATCGTCTTCCTGGTAACAGAACATGAC[CT>C]TCTGGGCACTGAGGCTTGGCTTGAAGCCTACCACGATGTCAATGTCACTGGTAGGTTCTC-3'